The following is an entry in ClinVar:

NM_032119.4(ADGRV1):c.4082T>G (p.Val1361Gly)

Gene: ADGRV1 (adhesion G protein-coupled receptor V1; plus strand). Cytogenetic location: 5q14.3.
Variant type: single nucleotide variant.
Coding change: c.4082T>G on transcript NM_032119.4 (MANE Select); coding-DNA position 4082, T replaced by G.
Protein change: p.Val1361Gly; replaces valine 1361 with glycine.
Molecular consequence: missense variant. On other transcripts: non-coding transcript variant (1).
Genome position (GRCh38, 1-based): chr5:90,653,656, T>G. VCF-style: chr5-90653656-T-G. GRCh37 (hg19) VCF-style: chr5-89949473-T-G.
Other names: short protein forms V1361G.
Identifiers: ClinVar variation 956654 (VCV000956654.10), dbSNP rs1768972076, ClinGen allele CA360401294.
Genomic context (GRCh38, chr5:90,653,656, plus strand): 5'-ATCCAAAATACCATCCCTCCAGGAATAATACAATTGCCAACTTTACATTCTCAGCTTGGG[T>G]AATGCCCAATGCCAATACGAATGGATTCATTATAGCGAAGGATGACGGTAATGGAAGCAT-3'
Protein context (NP_115495.3, residues 1351-1371): TIANFTFSAW[Val1361Gly]MPNANTNGFI

ClinVar aggregate classification (germline): Uncertain significance. Review status: criteria provided, multiple submitters, no conflicts (2 of 4 stars). 2 submissions from 2 submitters: Uncertain significance (2). Last evaluated 2023-07-07.

Allele frequency attached by ClinVar (database versions not stated): gnomAD exomes below 0.00001.
gnomAD v4.1: 1 of 1,613,376 alleles (0.000062%); highest among the groups gnomAD compares: Non-Finnish European, 0.000085%; no homozygotes.

Submissions (2):

Labcorp Genetics (formerly Invitae), Labcorp
Classification: Uncertain significance. Last evaluated: 2023-07-07. Review status: criteria provided, single submitter. Criteria: Invitae Variant Classification Sherloc (09022015). Collection method: clinical testing. Allele origin: germline.
Comment: This sequence change replaces valine, which is neutral and non-polar, with glycine, which is neutral and non-polar, at codon 1361 of the ADGRV1 protein (p.Val1361Gly). This variant is not present in population databases (gnomAD no frequency). This variant has not been reported in the literature in individuals affected with ADGRV1-related conditions. ClinVar contains an entry for this variant (Variation ID: 956654). Advanced modeling of protein sequence and biophysical properties (such as structural, functional, and spatial information, amino acid conservation, physicochemical variation, residue mobility, and thermodynamic stability) has been performed at Invitae for this missense variant, however the output from this modeling did not meet the statistical confidence thresholds required to predict the impact of this variant on ADGRV1 protein function. In summary, the available evidence is currently insufficient to determine the role of this variant in disease. Therefore, it has been classified as a Variant of Uncertain Significance.

Blueprint Genetics
Classification: Uncertain significance. Last evaluated: 2020-05-08. Review status: criteria provided, single submitter. Criteria: ACMG Guidelines, 2015. Collection method: clinical testing. Allele origin: germline.